The following is an entry in ClinVar:

NM_001510.4(GRID2):c.1960G>A (p.Ala654Thr)

Gene: GRID2 (glutamate ionotropic receptor delta type subunit 2; plus strand). Cytogenetic location: 4q22.2.
Variant type: single nucleotide variant.
Coding change: c.1960G>A on transcript NM_001510.4 (MANE Select); coding-DNA position 1960, G replaced by A.
Protein change: p.Ala654Thr; replaces alanine 654 with threonine.
Molecular consequence: missense variant.
Genome position (GRCh38, 1-based): chr4:93,490,740, G>A. VCF-style: chr4-93490740-G-A. GRCh37 (hg19) VCF-style: chr4-94411891-G-A.
Other names: c.1675G>A, p.Ala559Thr (NM_001286838.1); c.1960G>A (NM_001510.3); short protein forms A654T, A559T.
Identifiers: ClinVar variation 3102352 (VCV003102352.2), dbSNP rs2546697890, ClinGen allele CA357724830.

ClinVar aggregate classification (germline): Pathogenic/Likely pathogenic. Review status: criteria provided, multiple submitters, no conflicts (2 of 4 stars). 2 submissions from 2 submitters: Pathogenic (1); Likely pathogenic (1). Last evaluated 2024-03-28.

Conditions:
Inborn genetic diseases. Identifiers: MedGen C0950123, MeSH D030342.

Submissions (2):

GeneDx
Classification: Likely pathogenic. Last evaluated: 2024-03-28. Review status: criteria provided, single submitter. Criteria: GeneDx Variant Classification Process June 2021. Collection method: clinical testing. Allele origin: germline. Affected: yes.
Comment: Not observed at significant frequency in large population cohorts (gnomAD); In silico analysis supports that this missense variant has a deleterious effect on protein structure/function; This variant is associated with the following publications: (PMID: 27418511, 17531329, 35769960, 9285588, 37944084, 25841024)

Ambry Genetics
Classification: Pathogenic for Inborn genetic diseases. Last evaluated: 2023-12-12. Review status: criteria provided, single submitter. Criteria: Ambry Variant Classification Scheme 2023. Collection method: clinical testing. Allele origin: germline.
Comment: The c.1960G>A (p.A654T) alteration is located in exon 12 (coding exon 12) of the GRID2 gene. This alteration results from a G to A substitution at nucleotide position 1960, causing the alanine (A) at amino acid position 654 to be replaced by a threonine (T)._x000D_ _x000D_ _x000D_ _x000D_ for autosomal dominant GRID2-related spinocerebellar ataxia; however, its clinical significance for autosomal recessive GRID2-related spinocerebellar ataxia is uncertain. This variant was not reported in population-based cohorts in the Genome Aggregation Database (gnomAD). This variant has been determined to be the result of a de novo mutation in one individual with features consistent with autosomal dominant GRID2-related spinocerebellar ataxia (Coutelier, 2015). Two other alterations at the same codon, c.1961C>A (p.A654D) and c.1961C>G (p.A654G), have been detected in individuals with similar phenotype (Coutelier, 2015; Ambry internal data). This amino acid position is highly conserved in available vertebrate species. This alteration is predicted to be deleterious by in silico analysis. Based on the available evidence, this alteration is classified as pathogenic.

Literature cited by the submitters: PubMed 25841024 (cited by Ambry Genetics).